The following is an entry in ClinVar:

ClinVar aggregate classification (germline): Uncertain significance (1 of 4 stars; one submission).

Conditions:
Agammaglobulinemia 7, autosomal recessive (AGM7). Also called: AGAMMAGLOBULINEMIA, AUTOSOMAL RECESSIVE, DUE TO PIK3R1 DEFECT. Identifiers: MedGen C3554689, MONDO:0014083, OMIM 615214.
Immunodeficiency 36 with lymphoproliferation. Also called: Immunodeficiency 36; ACTIVATED PI3K-DELTA SYNDROME 2; Activated PI3K Delta Syndrome Type 2 (APDS2). Identifiers: Orphanet 397596, Orphanet 693681, MedGen C4014934, MONDO:0014453, OMIM 616005.
SHORT syndrome. Also called: SHORT STATURE, HYPEREXTENSIBILITY, HERNIA, OCULAR DEPRESSION, RIEGER ANOMALY, AND TEETHING DELAY; LIPODYSTROPHY, PARTIAL, WITH RIEGER ANOMALY AND SHORT STATURE; PIK3R1-Related SHORT Syndrome. Identifiers: Orphanet 3163, MedGen C0878684, MONDO:0010026, OMIM 269880.

Submission:

Labcorp Genetics (formerly Invitae), Labcorp
Classification: Uncertain significance for SHORT syndrome; Immunodeficiency 36 with lymphoproliferation; Agammaglobulinemia 7, autosomal recessive. Last evaluated: 2024-08-06. Review status: criteria provided, single submitter. Criteria: Invitae Variant Classification Sherloc (09022015). Collection method: clinical testing. Allele origin: germline.
Comment: This sequence change replaces histidine, which is basic and polar, with tyrosine, which is neutral and polar, at codon 618 of the PIK3R1 protein (p.His618Tyr). This variant is not present in population databases (gnomAD no frequency). This variant has not been reported in the literature in individuals affected with PIK3R1-related conditions. Advanced modeling of protein sequence and biophysical properties (such as structural, functional, and spatial information, amino acid conservation, physicochemical variation, residue mobility, and thermodynamic stability) performed at Invitae indicates that this missense variant is expected to disrupt PIK3R1 protein function with a positive predictive value of 80%. In summary, the available evidence is currently insufficient to determine the role of this variant in disease. Therefore, it has been classified as a Variant of Uncertain Significance.

NM_181523.3(PIK3R1):c.1852C>T (p.His618Tyr)

Gene: PIK3R1 (phosphoinositide-3-kinase regulatory subunit 1; plus strand). Cytogenetic location: 5q13.1.
Variant type: single nucleotide variant.
Coding change: c.1852C>T on transcript NM_181523.3 (MANE Select); coding-DNA position 1852, C replaced by T.
Protein change: p.His618Tyr; replaces histidine 618 with tyrosine.
Molecular consequence: missense variant.
Genome position (GRCh38, 1-based): chr5:68,296,208, C>T. VCF-style: chr5-68296208-C-T. GRCh37 (hg19) VCF-style: chr5-67592036-C-T.
Other names: c.763C>T, p.His255Tyr (NM_001242466.2); c.1042C>T, p.His348Tyr (NM_181504.4); c.952C>T, p.His318Tyr (NM_181524.2); short protein forms H255Y, H318Y, H348Y, H618Y.
Identifiers: ClinVar variation 3757558 (VCV003757558.2).